The following is an entry in ClinVar:

ClinVar aggregate classification (germline): Uncertain significance. Review status: criteria provided, multiple submitters, no conflicts (2 of 4 stars). 2 submissions from 2 submitters: Uncertain significance (2). Last evaluated 2025-09-26.

Conditions:
Long QT syndrome (LQTS). Identifiers: MedGen C0023976, MeSH D008133, MONDO:0002442. Disease mechanism: loss of function. Inheritance: Various modes of inheritance.

Submissions (2):

Labcorp Genetics (formerly Invitae), Labcorp
Classification: Uncertain significance for Long QT syndrome. Last evaluated: 2025-09-26. Review status: criteria provided, single submitter. Criteria: Invitae Variant Classification Sherloc (09022015). Collection method: clinical testing. Allele origin: germline.
Comment: This variant, c.5300_5314dup, results in the insertion of 5 amino acid(s) of the CACNA1C protein (p.Ile1767_Asn1771dup), but otherwise preserves the integrity of the reading frame. This variant is present in population databases (rs765818401, gnomAD 0.003%). This variant has not been reported in the literature in individuals affected with CACNA1C-related conditions. ClinVar contains an entry for this variant (Variation ID: 2067111). Experimental studies and prediction algorithms are not available or were not evaluated, and the functional significance of this variant is currently unknown. In summary, the available evidence is currently insufficient to determine the role of this variant in disease. Therefore, it has been classified as a Variant of Uncertain Significance.

Mayo Clinic Laboratories, Mayo Clinic
Classification: Uncertain significance. Last evaluated: 2024-09-06. Review status: criteria provided, single submitter. Criteria: ACMG Guidelines, 2015. Collection method: clinical testing. Allele origin: germline. Observed: 1 variant allele.
Comment: PM2

NM_000719.7(CACNA1C):c.5300_5314dup (p.Asn1771_Asn1772insIleAsnAsnAlaAsn)

Genes: CACNA1C (calcium voltage-gated channel subunit alpha1 C; plus strand), CACNA1C-AS1 (CACNA1C antisense RNA 1; minus strand). Cytogenetic location: 12p13.33.
Variant type: Duplication.
Coding change: c.5300_5314dup on transcript NM_000719.7 (MANE Select); coding-DNA positions 5300 to 5314, 15 bases duplicated (TCAACAACGCCAACA).
Protein change: p.Asn1771_Asn1772insIleAsnAsnAlaAsn.
Molecular consequence: inframe insertion.
Genome position (GRCh38, 1-based): chr12:2,679,652-2,679,666, TCAACAACGCCAACA duplicated; duplicating any 15 consecutive bases within chr12:2,679,641-2,679,666 gives the same sequence; the c. name uses the placement nearest the transcript's 3' end. VCF-style (leftmost placement, unchanged base first): chr12-2679640-C-CCAACGCCAACATCAA. GRCh37 (hg19) VCF-style: chr12-2788806-C-CCAACGCCAACATCAA.
Other names: p.Ile1767_Asn1771dup; c.5444_5458dup, p.Asn1819_Asn1820insIleAsnAsnAlaAsn (NM_001129827.2, NM_199460.4); c.5423_5437dup, p.Asn1812_Asn1813insIleAsnAsnAlaAsn (NM_001129829.2); c.5300_5314dup, p.Asn1771_Asn1772insIleAsnAsnAlaAsn (NM_001129830.3, NM_001129840.2, NM_001129841.2 and 4 more transcripts); c.5384_5398dup, p.Asn1799_Asn1800insIleAsnAsnAlaAsn (NM_001129831.2); c.5360_5374dup, p.Asn1791_Asn1792insIleAsnAsnAlaAsn (NM_001129832.2); c.5357_5371dup, p.Asn1790_Asn1791insIleAsnAsnAlaAsn (NM_001129833.2, NM_001129834.2, NM_001129835.2); c.5351_5365dup, p.Asn1788_Asn1789insIleAsnAsnAlaAsn (NM_001129836.2); and 4 more.
Identifiers: ClinVar variation 2067111 (VCV002067111.4), dbSNP rs765818401, ClinGen allele CA6389749.
Genomic context (GRCh38, chr12:2,679,640, plus strand): 5'-CATCCCACGAGAAGCTGGTGGACTCCACCTTCACCCCGAGCAGCTACTCGTCCACCGGCT[C>CCAACGCCAACATCAA]CAACGCCAACATCAACAACGCCAACAACACCGCCCTGGGTCGCCTCCCTCGCCCCGCCGG-3'